The following is an entry in ClinVar:

ClinVar aggregate classification (germline): Uncertain significance (1 of 4 stars; one submission).

Conditions:
Spastic paraplegia. Identifiers: MedGen C0037772, HP:0001258.

Allele frequency attached by ClinVar (database versions not stated): gnomAD 0.00002; TOPMed 0.00005; ExAC 0.00008; ESP Exome Variant Server 0.00008.
gnomAD v4.1: 18 of 1,584,586 alleles (0.0011%); highest among the groups gnomAD compares: East Asian, 0.014%; no homozygotes.

Submission:

Labcorp Genetics (formerly Invitae), Labcorp
Classification: Uncertain significance for Spastic paraplegia. Last evaluated: 2022-04-30. Review status: criteria provided, single submitter. Criteria: Invitae Variant Classification Sherloc (09022015). Collection method: clinical testing. Allele origin: germline.
Comment: This sequence change falls in intron 10 of the B4GALNT1 gene. It does not directly change the encoded amino acid sequence of the B4GALNT1 protein. It affects a nucleotide within the consensus splice site. This variant is present in population databases (rs376211300, gnomAD 0.05%). This variant has not been reported in the literature in individuals affected with B4GALNT1-related conditions. Variants that disrupt the consensus splice site are a relatively common cause of aberrant splicing (PMID: 17576681, 9536098). Algorithms developed to predict the effect of sequence changes on RNA splicing suggest that this variant may disrupt the consensus splice site. In summary, the available evidence is currently insufficient to determine the role of this variant in disease. Therefore, it has been classified as a Variant of Uncertain Significance.

Literature cited by the submitters: PubMed 17576681; PubMed 9536098.

NM_001478.5(B4GALNT1):c.1384+3G>A

Gene: B4GALNT1 (beta-1,4-N-acetyl-galactosaminyltransferase 1; minus strand). Cytogenetic location: 12q13.3.
Variant type: single nucleotide variant.
Coding change: c.1384+3G>A on transcript NM_001478.5 (MANE Select); 3 bases into the intron after coding-DNA position 1384, G replaced by A.
Molecular consequence: intron variant.
Genome position (GRCh38, 1-based): chr12:57,627,615, C>T on the plus strand (G>A on the coding strand, the complement: B4GALNT1 is on the minus strand). VCF-style: chr12-57627615-C-T. GRCh37 (hg19) VCF-style: chr12-58021398-C-T.
Other names: c.1219+3G>A (NM_001276468.2).
Identifiers: ClinVar variation 2146775 (VCV002146775.2), dbSNP rs376211300, ClinGen allele CA6655462.